The following is an entry in ClinVar:

NM_006389.5(HYOU1):c.575C>T (p.Ala192Val)

Gene: HYOU1 (hypoxia up-regulated 1; minus strand). Cytogenetic location: 11q23.3.
Variant type: single nucleotide variant.
Coding change: c.575C>T on transcript NM_006389.5 (MANE Select); coding-DNA position 575, C replaced by T.
Protein change: p.Ala192Val; replaces alanine 192 with valine.
Molecular consequence: missense variant.
Genome position (GRCh38, 1-based): chr11:119,054,597, G>A on the plus strand (C>T on the coding strand, the complement: HYOU1 is on the minus strand). VCF-style: chr11-119054597-G-A. GRCh37 (hg19) VCF-style: chr11-118925309-G-A.
Other names: c.575C>T, p.Ala192Val (NM_001130991.3, NM_001411041.1); short protein forms A192V.
Identifiers: ClinVar variation 3711124 (VCV003711124.2).
Genomic context (GRCh38, chr11:119,054,597, plus strand): 5'-CTGAGGGCAGTGGCGGTGTTGTCATTGATGAGCTGCAGCACTTTGAGGCCAGCCATACGA[G>A]CAGCCTGCAGCACAGCTCGGCGCTCGGCCTGGTTGAAGAAGACTGGCACGGTGATCACTG-3'
Protein context (NP_006380.1, residues 182-202): QAERRAVLQA[Ala192Val]RMAGLKVLQL

ClinVar aggregate classification (germline): Uncertain significance (1 of 4 stars; one submission).

Submission:

Labcorp Genetics (formerly Invitae), Labcorp
Classification: Uncertain significance. Last evaluated: 2024-10-07. Review status: criteria provided, single submitter. Criteria: Invitae Variant Classification Sherloc (09022015). Collection method: clinical testing. Allele origin: germline.
Comment: This sequence change replaces alanine, which is neutral and non-polar, with valine, which is neutral and non-polar, at codon 192 of the HYOU1 protein (p.Ala192Val). This variant is not present in population databases (gnomAD no frequency). This variant has not been reported in the literature in individuals affected with HYOU1-related conditions. An algorithm developed to predict the effect of missense changes on protein structure and function (PolyPhen-2) suggests that this variant is likely to be disruptive. In summary, the available evidence is currently insufficient to determine the role of this variant in disease. Therefore, it has been classified as a Variant of Uncertain Significance.